The following is an entry in ClinVar:

NM_001378454.1(ALMS1):c.11862T>C (p.Asn3954=)

Gene: ALMS1 (ALMS1 centrosome and basal body associated protein; plus strand). Cytogenetic location: 2p13.1.
Variant type: single nucleotide variant.
Coding change: c.11862T>C on transcript NM_001378454.1 (MANE Select); coding-DNA position 11862, T replaced by C.
Protein change: p.Asn3954=; no amino-acid change (asparagine 3954 retained).
Molecular consequence: synonymous variant.
Genome position (GRCh38, 1-based): chr2:73,600,871, T>C. VCF-style: chr2-73600871-T-C. GRCh37 (hg19) VCF-style: chr2-73827998-T-C.
Other names: c.11865T>C, p.Asn3955= (NM_015120.4).
Identifiers: ClinVar variation 4981276 (VCV004981276.1).
Genomic context (GRCh38, chr2:73,600,871, plus strand): 5'-AGAGAAAATGCTCTTTACCGGTTATCCTGAGGACAGAAAGTTAAAAAAGAACAAGAAGAA[T>C]TCCCATGAAGGTCAGTTTCTCATTCCAGATCTTGTAGTAGAGAAACTAGTGAATTTCAAG-3'
Protein context (NP_001365383.1, residues 3944-3964): EDRKLKKNKK[Asn3954=]SHEGVSWFVP

ClinVar aggregate classification (germline): Likely benign (1 of 4 stars; one submission).

Conditions:
ALMS1-related disorder. Also called: ALMS1-related condition.

Submission:

PreventionGenetics, part of Exact Sciences
Classification: Likely benign for ALMS1-related condition. Last evaluated: 2024-11-16. Review status: criteria provided, single submitter. Criteria: ACMG Guidelines, 2015. Collection method: clinical testing. Allele origin: germline.
Comment: This variant is classified as likely benign based on ACMG/AMP sequence variant interpretation guidelines (Richards et al. 2015 PMID: 25741868, with internal and published modifications).